The following is an entry in ClinVar:

NM_000063.6(C2):c.2155C>T (p.Arg719Cys)

Gene: C2 (complement C2; plus strand). Cytogenetic location: 6p21.33.
Variant type: single nucleotide variant.
Coding change: c.2155C>T on transcript NM_000063.6 (MANE Select); coding-DNA position 2155, C replaced by T.
Protein change: p.Arg719Cys; replaces arginine 719 with cysteine.
Molecular consequence: missense variant.
Genome position (GRCh38, 1-based): chr6:31,945,253, C>T. VCF-style: chr6-31945253-C-T. GRCh37 (hg19) VCF-style: chr6-31913030-C-T.
Other names: c.1759C>T, p.Arg587Cys (NM_001145903.3); c.1513C>T, p.Arg505Cys (NM_001178063.3); c.1417C>T, p.Arg473Cys (NM_001282457.2); c.2068C>T, p.Arg690Cys (NM_001282458.2); short protein forms R473C, R587C, R505C, R719C, R690C.
Identifiers: ClinVar variation 1039542 (VCV001039542.8), dbSNP rs551464241, ClinGen allele CA3727895.

ClinVar aggregate classification (germline): Uncertain significance (1 of 4 stars; one submission).

Allele frequency attached by ClinVar (database versions not stated): TOPMed below 0.00001; gnomAD 0.00001 and 0.00005; gnomAD exomes 0.00008; ExAC 0.00009; 1000 Genomes Project 30x 0.00078; 1000 Genomes Project 0.00100.

Submission:

Labcorp Genetics (formerly Invitae), Labcorp
Classification: Uncertain significance. Last evaluated: 2023-12-11. Review status: criteria provided, single submitter. Criteria: Invitae Variant Classification Sherloc (09022015). Collection method: clinical testing. Allele origin: germline.
Comment: This sequence change replaces arginine, which is basic and polar, with cysteine, which is neutral and slightly polar, at codon 719 of the C2 protein (p.Arg719Cys). This variant is present in population databases (rs551464241, gnomAD 0.07%). This variant has not been reported in the literature in individuals affected with C2-related conditions. ClinVar contains an entry for this variant (Variation ID: 1039542). Advanced modeling of protein sequence and biophysical properties (such as structural, functional, and spatial information, amino acid conservation, physicochemical variation, residue mobility, and thermodynamic stability) performed at Invitae indicates that this missense variant is not expected to disrupt C2 protein function with a negative predictive value of 80%. In summary, the available evidence is currently insufficient to determine the role of this variant in disease. Therefore, it has been classified as a Variant of Uncertain Significance.